The following is an entry in ClinVar:

ClinVar aggregate classification (germline): Uncertain significance (1 of 4 stars; one submission).

Conditions:
PLXNA2-related disorder. Also called: PLXNA2-related condition.

Submission:

PreventionGenetics, part of Exact Sciences
Classification: Uncertain significance for PLXNA2-related condition. Last evaluated: 2025-04-19. Review status: criteria provided, single submitter. Criteria: ACMG Guidelines, 2015. Collection method: clinical testing. Allele origin: germline.
Comment: The PLXNA2 c.1892T>C variant is predicted to result in the amino acid substitution p.Phe631Ser. To our knowledge, this variant has not been reported in the literature or in a large population database (gnomAD), indicating this variant is rare. At this time, the clinical significance of this variant is uncertain due to the absence of conclusive functional and genetic evidence.

NM_025179.4(PLXNA2):c.1892T>C (p.Phe631Ser)

Gene: PLXNA2 (plexin A2; minus strand). Cytogenetic location: 1q32.2.
Variant type: single nucleotide variant.
Coding change: c.1892T>C on transcript NM_025179.4 (MANE Select); coding-DNA position 1892, T replaced by C.
Protein change: p.Phe631Ser; replaces phenylalanine 631 with serine.
Molecular consequence: missense variant.
Genome position (GRCh38, 1-based): chr1:208,096,119, A>G on the plus strand (T>C on the coding strand, the complement: PLXNA2 is on the minus strand). VCF-style: chr1-208096119-A-G. GRCh37 (hg19) VCF-style: chr1-208269464-A-G.
Other names: short protein forms F631S.
Identifiers: ClinVar variation 5000382 (VCV005000382.1).